The following is an entry in ClinVar:

NM_018834.6(MATR3):c.226G>T (p.Ala76Ser)

Gene: MATR3 (matrin 3; plus strand). Cytogenetic location: 5q31.2.
Variant type: single nucleotide variant.
Coding change: c.226G>T on transcript NM_018834.6 (MANE Select); coding-DNA position 226, G replaced by T.
Protein change: p.Ala76Ser; replaces alanine 76 with serine.
Molecular consequence: missense variant. On other transcripts: intron variant (11).
Genome position (GRCh38, 1-based): chr5:139,307,641, G>T. VCF-style: chr5-139307641-G-T. GRCh37 (hg19) VCF-style: chr5-138643330-G-T.
Other names: c.226G>T, p.Ala76Ser (NM_001194954.2, NM_001194955.2, NM_001400441.1 and 16 more transcripts); c.52-7034G>T (NM_001400459.1); c.-102-7034G>T (NM_001400463.1, NM_001400460.1, NM_001282278.2 and 3 more transcripts); c.-40-8056G>T (NM_001400462.1, NM_001400467.1); c.13-7034G>T (NM_001400461.1); c.49-7034G>T (NM_001194956.2); short protein forms A76S.
Identifiers: ClinVar variation 3899198 (VCV003899198.1).
Genomic context (GRCh38, chr5:139,307,641, plus strand): 5'-ATGAATCTTGGAATGAGTTCTTCATTGAATCAACAAGGAGCTCATAGTGCACTGTCTTCT[G>T]CTAGTACTTCTTCCCATAATTTGCAGTCTATATTTAACATTGGAAGTAGAGGTCCACTCC-3'
Protein context (NP_061322.2, residues 66-86): QQGAHSALSS[Ala76Ser]STSSHNLQSI

ClinVar aggregate classification (germline): Uncertain significance (1 of 4 stars; one submission).

gnomAD v4.1: 2 of 1,614,140 alleles (0.00012%); highest among the groups gnomAD compares: Non-Finnish European, 0.00017%; no homozygotes.

Submission:

GeneDx
Classification: Uncertain significance. Last evaluated: 2024-11-07. Review status: criteria provided, single submitter. Criteria: GeneDx Variant Classification Process June 2021. Collection method: clinical testing. Allele origin: germline. Affected: yes.
Comment: Not observed at significant frequency in large population cohorts (gnomAD); In silico analysis indicates that this missense variant does not alter protein structure/function; Has not been previously published as pathogenic or benign to our knowledge